The following is an entry in ClinVar:

ClinVar aggregate classification (germline): Uncertain significance (1 of 4 stars; one submission).

Submission:

Labcorp Genetics (formerly Invitae), Labcorp
Classification: Uncertain significance. Last evaluated: 2022-06-24. Review status: criteria provided, single submitter. Criteria: Invitae Variant Classification Sherloc (09022015). Collection method: clinical testing. Allele origin: germline.
Comment: This sequence change creates a premature translational stop signal (p.Trp175*) in the P2RX2 gene. It is expected to result in an absent or disrupted protein product. However, the current clinical and genetic evidence is not sufficient to establish whether loss-of-function variants in P2RX2 cause disease. This variant is not present in population databases (gnomAD no frequency). This variant has not been reported in the literature in individuals affected with P2RX2-related conditions. In summary, the available evidence is currently insufficient to determine the role of this variant in disease. Therefore, it has been classified as a Variant of Uncertain Significance.

NM_170682.4(P2RX2):c.524G>A (p.Trp175Ter)

Gene: P2RX2 (purinergic receptor P2X 2; plus strand). Cytogenetic location: 12q24.33.
Variant type: single nucleotide variant.
Coding change: c.524G>A on transcript NM_170682.4 (MANE Select); coding-DNA position 524, G replaced by A.
Protein change: p.Trp175Ter; replaces tryptophan 175 with a stop codon.
Molecular consequence: nonsense. On other transcripts: synonymous variant (1).
Genome position (GRCh38, 1-based): chr12:132,620,066, G>A. VCF-style: chr12-132620066-G-A. GRCh37 (hg19) VCF-style: chr12-133196652-G-A.
Other names: c.417G>A, p.Leu139= (NM_001282164.2); c.524G>A, p.Trp175Ter (NM_001282165.2, NM_170683.4, NM_174873.3); c.308G>A, p.Trp103Ter (NM_012226.5); c.452G>A, p.Trp151Ter (NM_016318.4); c.248G>A, p.Trp83Ter (NM_174872.3); short protein forms W175*, W103*, W151*, W83*.
Identifiers: ClinVar variation 1937098 (VCV001937098.5), dbSNP rs2541783547, ClinGen allele CA387359361.